The following is an entry in ClinVar:

NC_000007.13:g.(117230494_117231987)_(117243837_117246727)dup

Gene: CFTR (CF transmembrane conductance regulator; plus strand). Cytogenetic location: 7q31.2.
Variant type: Duplication.
Identifiers: ClinVar variation 3375052 (VCV003375052.1).

ClinVar aggregate classification (germline): Likely pathogenic (1 of 4 stars; one submission).

Conditions:
Cystic fibrosis (CF). Also called: MUCOVISCIDOSIS. Identifiers: Orphanet 586, MedGen C0010674, MONDO:0009061, OMIM 219700. Disease mechanism: loss of function.

Submission:

Women's Health and Genetics/Laboratory Corporation of America, LabCorp
Classification: Likely pathogenic for Cystic fibrosis. Last evaluated: 2024-09-04. Review status: criteria provided, single submitter. Criteria: LabCorp Variant Classification Summary - May 2015. Collection method: clinical testing. Allele origin: germline.
Comment: Variant summary: The variant involves the duplication of exons 14-17 in the CFTR gene. A presumed nomenclature of c.(1766+1_1767-1)_(2908+1_2909-1)dup has been designated for the purposes of this classification. It is assumed to be a tandem duplication in direct orientation (PMIDs: 25640679, 30054569). This Copy Number Variant (CNV) is expected to alter the reading frame and predicted to result in a truncation or absence of the encoded protein due to nonsense mediated decay (NMD). The variant was absent in 21694 control chromosomes. To our knowledge, no occurrence of c.(1766+1_1767-1)_(2908+1_2909-1)dup in individuals affected with Cystic Fibrosis and no experimental evidence demonstrating its impact on protein function have been reported. No submitters have cited clinical-significance assessments for this variant to ClinVar. Based on the evidence outlined above, the variant was classified as likely pathogenic.